The following is an entry in ClinVar:

NM_012156.2(EPB41L1):c.2079+4C>T

Gene: EPB41L1 (erythrocyte membrane protein band 4.1 like 1; plus strand). Cytogenetic location: 20q11.23.
Variant type: single nucleotide variant.
Coding change: c.2079+4C>T on transcript NM_012156.2 (MANE Select); 4 bases into the intron after coding-DNA position 2079, C replaced by T.
Molecular consequence: intron variant.
Genome position (GRCh38, 1-based): chr20:36,209,902, C>T. VCF-style: chr20-36209902-C-T. GRCh37 (hg19) VCF-style: chr20-34797824-C-T.
Other names: c.1669-2370C>T (NM_001424384.1); c.2043+4C>T (NM_001424401.1, NM_001424400.1, NM_001424396.1); c.1633-2370C>T (NM_001424388.1, NM_001424387.1, NM_001424383.1); c.2076+4C>T (NM_001424402.1); c.2040+4C>T (NM_001424399.1, NM_001424398.1, NM_001424395.1); c.1630-2370C>T (NM_001424386.1, NM_001424385.1, NM_001424382.1); c.1483-2370C>T (NM_001424381.1, NM_001424376.1); c.1857+4C>T (NM_001424394.1, NM_001424393.1, NM_001424390.1 and 4 more transcripts); and 5 more.
Identifiers: ClinVar variation 3047614 (VCV003047614.3), dbSNP rs766993119, ClinGen allele CA314199031.

ClinVar aggregate classification (germline): Uncertain significance. Review status: criteria provided, single submitter (1 of 4 stars). 2 submissions from 2 submitters: Uncertain significance (1). 1 of the submissions does not count toward it. Last evaluated 2026-02-27.

Conditions:
EPB41L1-related disorder. Also called: EPB41L1-related condition.

Allele frequency attached by ClinVar (database versions not stated): gnomAD exomes 0.00002; gnomAD 0.00003; TOPMed 0.00003.
gnomAD v4.1: 25 of 1,612,846 alleles (0.0016%); highest among the groups gnomAD compares: Non-Finnish European, 0.0021%; no homozygotes.

Submissions (2):

Women's Health and Genetics/Laboratory Corporation of America, LabCorp
Classification: Uncertain significance. Last evaluated: 2026-02-27. Review status: criteria provided, single submitter. Criteria: LabCorp Variant Classification Summary - May 2015. Collection method: clinical testing. Allele origin: germline.
Comment: Variant summary: EPB41L1 c.2079+4C>T alters a nucleotide located close to a canonical splice site and therefore could affect mRNA splicing, leading to a significantly altered protein sequence. Consensus agreement among computation tools predict no significant impact on normal splicing. However, these predictions have yet to be confirmed by functional studies. The variant allele was found at a frequency of 1.6e-05 in 245728 control chromosomes. The available data on variant occurrences in the general population are insufficient to allow any conclusion about variant significance. To our knowledge, no occurrence of c.2079+4C>T in individuals affected with EPB41L1-related conditions and no experimental evidence demonstrating its impact on protein function have been reported. ClinVar contains an entry for this variant (Variation ID: 3047614). Based on the evidence outlined above, the variant was classified as uncertain significance.

PreventionGenetics, part of Exact Sciences
Classification: Likely benign for EPB41L1-related condition. Last evaluated: 2019-03-28. Review status: no assertion criteria provided. Collection method: clinical testing. Allele origin: germline. Not counted in ClinVar's aggregate classification.
Comment: This variant is classified as likely benign based on ACMG/AMP sequence variant interpretation guidelines (Richards et al. 2015 PMID: 25741868, with internal and published modifications).